The following is an entry in ClinVar:

NM_000266.4(NDP):c.174+5G>A

Genes: NDP (norrin cystine knot growth factor NDP; minus strand), NDP-AS1 (NDP antisense RNA 1; plus strand). Cytogenetic location: Xp11.3.
Variant type: single nucleotide variant.
Coding change: c.174+5G>A on transcript NM_000266.4 (MANE Select); 5 bases into the intron after coding-DNA position 174, G replaced by A.
Molecular consequence: intron variant.
Genome position (GRCh38, 1-based): chrX:43,958,467, C>T on the plus strand (G>A on the coding strand, the complement: NDP is on the minus strand). VCF-style: chrX-43958467-C-T. GRCh37 (hg19) VCF-style: chrX-43817713-C-T.
Identifiers: ClinVar variation 3729126 (VCV003729126.2).

ClinVar aggregate classification (germline): Uncertain significance (1 of 4 stars; one submission).

Submission:

Labcorp Genetics (formerly Invitae), Labcorp
Classification: Uncertain significance. Last evaluated: 2025-01-18. Review status: criteria provided, single submitter. Criteria: Invitae Variant Classification Sherloc (09022015). Collection method: clinical testing. Allele origin: germline.
Comment: This sequence change falls in intron 2 of the NDP gene. It does not directly change the encoded amino acid sequence of the NDP protein. It affects a nucleotide within the consensus splice site. This variant is not present in population databases (gnomAD no frequency). This variant has not been reported in the literature in individuals affected with NDP-related conditions. Variants that disrupt the consensus splice site are a relatively common cause of aberrant splicing (PMID: 17576681, 9536098). Algorithms developed to predict the effect of sequence changes on RNA splicing suggest that this variant may disrupt the consensus splice site. In summary, the available evidence is currently insufficient to determine the role of this variant in disease. Therefore, it has been classified as a Variant of Uncertain Significance.

Literature cited by the submitters: PubMed 17576681; PubMed 9536098.